The following is an entry in ClinVar:

ClinVar aggregate classification (germline): Uncertain significance (1 of 4 stars; one submission).

Conditions:
Hereditary cancer-predisposing syndrome. Also called: Neoplastic Syndromes, Hereditary; Tumor predisposition; Hereditary Cancer Syndrome; Hereditary neoplastic syndrome. Identifiers: Orphanet 140162, MedGen C0027672, MeSH D009386, MONDO:0015356.

gnomAD v4.1: 1 of 1,614,202 alleles (0.000062%); highest among the groups gnomAD compares: Non-Finnish European, 0.000085%; no homozygotes.

Submission:

Ambry Genetics
Classification: Uncertain significance for Hereditary cancer-predisposing syndrome. Last evaluated: 2026-06-02. Review status: criteria provided, single submitter. Criteria: Ambry Variant Classification Scheme 2023. Collection method: clinical testing. Allele origin: germline.
Comment: The p.I159M variant (also known as c.477A>G), located in coding exon 3 of the PTCH1 gene, results from an A to G substitution at nucleotide position 477. The isoleucine at codon 159 is replaced by methionine, an amino acid with highly similar properties. This amino acid position is highly conserved in available vertebrate species. In addition, this alteration is predicted to be deleterious by in silico analysis. Based on the available evidence, the clinical significance of this variant remains unclear.

NM_000264.5(PTCH1):c.477A>G (p.Ile159Met)

Gene: PTCH1 (patched 1; minus strand). Cytogenetic location: 9q22.32.
Variant type: single nucleotide variant.
Coding change: c.477A>G on transcript NM_000264.5 (MANE Select); coding-DNA position 477, A replaced by G.
Protein change: p.Ile159Met; replaces isoleucine 159 with methionine.
Molecular consequence: missense variant. On other transcripts: non-coding transcript variant (1).
Genome position (GRCh38, 1-based): chr9:95,485,792, T>C on the plus strand (A>G on the coding strand, the complement: PTCH1 is on the minus strand). VCF-style: chr9-95485792-T-C. GRCh37 (hg19) VCF-style: chr9-98248074-T-C.
Other names: c.279A>G, p.Ile93Met (NM_001083602.3, NM_001354919.2); c.474A>G, p.Ile158Met (NM_001083603.3); c.24A>G, p.Ile8Met (NM_001083604.3, NM_001083605.3, NM_001083606.3 and 1 more transcripts); c.477A>G, p.Ile159Met (NM_001354918.2); short protein forms I158M, I159M, I8M, I93M.
Identifiers: ClinVar variation 4862710 (VCV004862710.1).